The following is an entry in ClinVar:

ClinVar aggregate classification (germline): Benign/Likely benign. Review status: criteria provided, multiple submitters, no conflicts (2 of 4 stars). 5 submissions from 5 submitters: Benign (2); Likely benign (2). 1 of the submissions does not count toward it. Last evaluated 2026-02-03.

Conditions:
Neuronopathy, distal hereditary motor, autosomal recessive 4. Also called: Autosomal recessive lower motor neuron disease with childhood onset; NEUROPATHY, DISTAL HEREDITARY MOTOR, AUTOSOMAL RECESSIVE 4. Identifiers: Orphanet 206580, MedGen C1970211, MONDO:0012608, OMIM 611067.
Charcot-Marie-Tooth disease recessive intermediate C. Also called: CHARCOT-MARIE-TOOTH NEUROPATHY, RECESSIVE INTERMEDIATE C. Identifiers: Orphanet 369867, MedGen C3809309, MONDO:0014154, OMIM 615376.
PLEKHG5-related disorder. Also called: PLEKHG5-related condition.

Submissions (5):

Labcorp Genetics (formerly Invitae), Labcorp
Classification: Benign for Neuronopathy, distal hereditary motor, autosomal recessive 4; Charcot-Marie-Tooth disease recessive intermediate C. Last evaluated: 2026-02-03. Review status: criteria provided, single submitter. Criteria: Invitae Variant Classification Sherloc (09022015). Collection method: clinical testing. Allele origin: germline.

ARUP Laboratories, Molecular Genetics and Genomics, ARUP Laboratories
Classification: Likely benign. Last evaluated: 2025-06-27. Review status: criteria provided, single submitter. Criteria: ARUP Molecular Germline Variant Investigation Process 2024. Collection method: clinical testing. Allele origin: germline.

Blueprint Genetics
Classification: Likely benign. Last evaluated: 2024-11-22. Review status: criteria provided, single submitter. Criteria: ACMG Guidelines, 2015. Collection method: clinical testing. Allele origin: germline.

GeneDx
Classification: Benign. Last evaluated: 2015-03-03. Review status: criteria provided, single submitter. Criteria: GeneDx Variant Classification Process June 2021. Collection method: clinical testing. Allele origin: germline. Affected: yes.

PreventionGenetics, part of Exact Sciences
Classification: Likely benign for PLEKHG5-related condition. Last evaluated: 2021-10-29. Review status: no assertion criteria provided. Collection method: clinical testing. Allele origin: germline. Not counted in ClinVar's aggregate classification.
Comment: This variant is classified as likely benign based on ACMG/AMP sequence variant interpretation guidelines (Richards et al. 2015 PMID: 25741868, with internal and published modifications).

NM_020631.6(PLEKHG5):c.43+14_43+20del

Genes: PLEKHG5 (pleckstrin homology and RhoGEF domain containing G5; minus strand), LOC126805598 (MED14-independent group 3 enhancer GRCh37_chr1:6536823-6538022; plus strand). Cytogenetic location: 1p36.31.
Variant type: Deletion.
Coding change: c.43+14_43+20del on transcript NM_020631.6 (MANE Select); bases 14 to 20 of the intron after coding-DNA position 43, 7 bases deleted (GGAGCCG; older notation c.43+14_43+20delGGAGCCG).
Molecular consequence: intron variant.
Genome position (GRCh38, 1-based): chr1:6,477,509-6,477,515, CGGCTCC deleted on the plus strand (GGAGCCG on the coding strand, the reverse complement: PLEKHG5 is on the minus strand); deleting any 7 consecutive bases within chr1:6,477,509-6,477,517 gives the same sequence; the c. name uses the placement nearest the transcript's 3' end. VCF-style (leftmost placement, unchanged base first): chr1-6477508-GCGGCTCC-G. GRCh37 (hg19) VCF-style: chr1-6537568-GCGGCTCC-G.
Other names: c.43+14_43+20del (NM_198681.4, NM_001265594.3, NM_001042664.2 and 1 more transcripts); c.154+14_154+20del (NM_001042663.3, NM_001265592.2); c.250+14_250+20del (NM_001265593.2); c.43+14_43+20del7 (NM_020631.4).
Identifiers: ClinVar variation 297976 (VCV000297976.28), dbSNP rs527883968, ClinGen allele CA562029.